The following is an entry in ClinVar:

ClinVar aggregate classification (germline): Uncertain significance (1 of 4 stars; one submission).

Conditions:
Hereditary spastic paraplegia 4. Also called: Spastic paraplegia 4, autosomal dominant; Familial spastic paraplegia autosomal dominant 2; Spastic Paraplegia 4. Identifiers: Orphanet 100985, MedGen C1866855, MONDO:0008438, OMIM 182601.

Submission:

Labcorp Genetics (formerly Invitae), Labcorp
Classification: Uncertain significance for Hereditary spastic paraplegia 4. Last evaluated: 2022-10-20. Review status: criteria provided, single submitter. Criteria: Invitae Variant Classification Sherloc (09022015). Collection method: clinical testing. Allele origin: germline.
Comment: This sequence change replaces serine, which is neutral and polar, with glycine, which is neutral and non-polar, at codon 270 of the SPAST protein (p.Ser270Gly). This variant is not present in population databases (gnomAD no frequency). This variant has not been reported in the literature in individuals affected with SPAST-related conditions. Algorithms developed to predict the effect of missense changes on protein structure and function (SIFT, PolyPhen-2, Align-GVGD) all suggest that this variant is likely to be tolerated. In summary, the available evidence is currently insufficient to determine the role of this variant in disease. Therefore, it has been classified as a Variant of Uncertain Significance.

NM_014946.4(SPAST):c.808A>G (p.Ser270Gly)

Gene: SPAST (spastin; plus strand). Cytogenetic location: 2p22.3.
Variant type: single nucleotide variant.
Coding change: c.808A>G on transcript NM_014946.4 (MANE Select); coding-DNA position 808, A replaced by G.
Protein change: p.Ser270Gly; replaces serine 270 with glycine.
Molecular consequence: missense variant.
Genome position (GRCh38, 1-based): chr2:32,114,763, A>G. VCF-style: chr2-32114763-A-G. GRCh37 (hg19) VCF-style: chr2-32339832-A-G.
Other names: c.805A>G, p.Ser269Gly (NM_001363823.2); c.709A>G, p.Ser237Gly (NM_001363875.2); c.712A>G, p.Ser238Gly (NM_001377959.1, NM_199436.2); short protein forms S237G, S238G, S269G, S270G.
Identifiers: ClinVar variation 1721960 (VCV001721960.5), dbSNP rs774891032, ClinGen allele CA346498689.